The following is an entry in ClinVar:

NM_001017420.3(ESCO2):c.21del (p.Lys8fs)

Gene: ESCO2 (establishment of sister chromatid cohesion N-acetyltransferase 2; plus strand). Cytogenetic location: 8p21.1.
Variant type: Deletion.
Coding change: c.21del on transcript NM_001017420.3 (MANE Select); coding-DNA position 21, one base deleted (G; older notation c.21delG).
Protein change: p.Lys8fs; shifts the reading frame from lysine 8.
Molecular consequence: frameshift variant.
Genome position (GRCh38, 1-based): chr8:27,775,535, G deleted; the last of 2 consecutive G bases (chr8:27,775,534-27,775,535); deleting either gives the same sequence. VCF-style (leftmost placement, unchanged base first): chr8-27775533-AG-A. GRCh37 (hg19) VCF-style: chr8-27633050-AG-A.
Other names: short protein forms K8fs.
Identifiers: ClinVar variation 2875537 (VCV002875537.3), dbSNP rs2486624226, ClinGen allele CA2739279255.

ClinVar aggregate classification (germline): Pathogenic (1 of 4 stars; one submission).

Submission:

Labcorp Genetics (formerly Invitae), Labcorp
Classification: Pathogenic. Last evaluated: 2023-03-04. Review status: criteria provided, single submitter. Criteria: Invitae Variant Classification Sherloc (09022015). Collection method: clinical testing. Allele origin: germline.
Comment: This sequence change creates a premature translational stop signal (p.Lys8Argfs*7) in the ESCO2 gene. It is expected to result in an absent or disrupted protein product. Loss-of-function variants in ESCO2 are known to be pathogenic (PMID: 15821733, 16380922). This variant is not present in population databases (gnomAD no frequency). This variant has not been reported in the literature in individuals affected with ESCO2-related conditions. For these reasons, this variant has been classified as Pathogenic.

Literature cited by the submitters: PubMed 15821733; PubMed 16380922.